The following is an entry in ClinVar:

ClinVar aggregate classification (germline): Pathogenic (1 of 4 stars; one submission).

Conditions:
Epilepsy, familial adult myoclonic, 5 (EPEO5). Also called: CORTICAL MYOCLONIC TREMOR WITH EPILEPSY, FAMILIAL, 5. Identifiers: Orphanet 86814, MedGen C3809374, MONDO:0014167, OMIM 615400.

Submission:

Labcorp Genetics (formerly Invitae), Labcorp
Classification: Pathogenic for Epilepsy, familial adult myoclonic, 5. Last evaluated: 2023-01-07. Review status: criteria provided, single submitter. Criteria: Invitae Variant Classification Sherloc (09022015). Collection method: clinical testing. Allele origin: germline.
Comment: For these reasons, this variant has been classified as Pathogenic. This variant has not been reported in the literature in individuals affected with CNTN2-related conditions. This variant is not present in population databases (gnomAD no frequency). This sequence change creates a premature translational stop signal (p.Ile690Serfs*7) in the CNTN2 gene. It is expected to result in an absent or disrupted protein product. Loss-of-function variants in CNTN2 are known to be pathogenic (PMID: 11178983, 23518707).

Literature cited by the submitters: PubMed 11178983; PubMed 23518707.

NM_005076.5(CNTN2):c.2067_2068del (p.Ile690fs)

Gene: CNTN2 (contactin 2; plus strand). Cytogenetic location: 1q32.1.
Variant type: Deletion.
Coding change: c.2067_2068del on transcript NM_005076.5 (MANE Select); coding-DNA positions 2067 to 2068, 2 bases deleted (CA; older notation c.2067_2068delCA).
Protein change: p.Ile690fs; shifts the reading frame from isoleucine 690.
Molecular consequence: frameshift variant. On other transcripts: non-coding transcript variant (1).
Genome position (GRCh38, 1-based): chr1:205,067,192-205,067,193, CA deleted; deleting any 2 consecutive bases within chr1:205,067,191-205,067,193 gives the same sequence; the c. name uses the placement nearest the transcript's 3' end. VCF-style (leftmost placement, unchanged base first): chr1-205067190-AAC-A. GRCh37 (hg19) VCF-style: chr1-205036318-AAC-A.
Other names: c.2067_2068del, p.Ile690fs (NM_001346083.2); short protein forms I690fs.
Identifiers: ClinVar variation 2826844 (VCV002826844.3), dbSNP rs2526400673, ClinGen allele CA2739275543.